The following is an entry in ClinVar:

NM_001367624.2(ZNF469):c.5827G>A (p.Gly1943Ser)

Gene: ZNF469 (zinc finger protein 469; plus strand). Cytogenetic location: 16q24.2.
Variant type: single nucleotide variant.
Coding change: c.5827G>A on transcript NM_001367624.2 (MANE Select); coding-DNA position 5827, G replaced by A.
Protein change: p.Gly1943Ser; replaces glycine 1943 with serine.
Molecular consequence: missense variant.
Genome position (GRCh38, 1-based): chr16:88,433,297, G>A. VCF-style: chr16-88433297-G-A. GRCh37 (hg19) VCF-style: chr16-88499705-G-A.
Other names: NM_001127464.1:c.5743G>A; short protein forms G1943S.
Identifiers: ClinVar variation 5032217 (VCV005032217.1).

ClinVar aggregate classification (germline): Uncertain significance (1 of 4 stars; one submission).

Conditions:
Cardiovascular phenotype. Identifiers: MedGen CN230736.

Submission:

Ambry Genetics
Classification: Uncertain significance for Cardiovascular phenotype. Last evaluated: 2026-07-09. Review status: criteria provided, single submitter. Criteria: Ambry Variant Classification Scheme 2023. Collection method: clinical testing. Allele origin: germline.
Comment: The p.G1915S variant (also known as c.5743G>A), located in coding exon 2 of the ZNF469 gene, results from a G to A substitution at nucleotide position 5743. The glycine at codon 1915 is replaced by serine, an amino acid with similar properties. This amino acid position is conserved. In addition, this alteration is predicted to be tolerated by in silico analysis. Based on the available evidence, the clinical significance of this variant remains unclear.